The following is an entry in ClinVar:

NM_004385.5(VCAN):c.8053G>A (p.Val2685Ile)

Genes: VCAN (versican; plus strand), VCAN-AS1 (VCAN antisense RNA 1; minus strand). Cytogenetic location: 5q14.3.
Variant type: single nucleotide variant.
Coding change: c.8053G>A on transcript NM_004385.5 (MANE Select); coding-DNA position 8053, G replaced by A.
Protein change: p.Val2685Ile; replaces valine 2685 with isoleucine.
Molecular consequence: missense variant. On other transcripts: intron variant (2).
Genome position (GRCh38, 1-based): chr5:83,541,056, G>A. VCF-style: chr5-83541056-G-A. GRCh37 (hg19) VCF-style: chr5-82836875-G-A.
Other names: c.5092G>A, p.Val1698Ile (NM_001164097.2); c.4004-4481G>A (NM_001164098.2); c.1043-4481G>A (NM_001126336.3); short protein forms V1698I, V2685I.
Identifiers: ClinVar variation 161544 (VCV000161544.14), dbSNP rs59948995, ClinGen allele CA174305.
Genomic context (GRCh38, chr5:83,541,056, plus strand): 5'-CACATGGGCTTTCACTTCACAACTGGGATCCCTGCTCCTAGCACAGAAACAGAATTAGAC[G>A]TTTTACTTCCCACGGCAACATCCCTGCCAATTCCTCGTAAGTCTGCCACAGTTATTCCAG-3'
Protein context (NP_004376.2, residues 2675-2695): PAPSTETELD[Val2685Ile]LLPTATSLPI

ClinVar aggregate classification (germline): Likely benign. Review status: criteria provided, multiple submitters, no conflicts (2 of 4 stars). 3 submissions from 3 submitters: Likely benign (2). 1 of the submissions does not count toward it. Last evaluated 2023-11-29.

Conditions:
Prostate cancer. Also called: Malignant tumor of prostate. Identifiers: Orphanet 1331, MedGen C0376358, MONDO:0008315, HP:0012125.

Allele frequency attached by ClinVar (database versions not stated): TOPMed 0.00006; 1000 Genomes Project 30x 0.00016; gnomAD 0.00006 and 0.00009; 1000 Genomes Project 0.00020.
gnomAD v4.1: 219 of 1,614,004 alleles (0.014%); highest among the groups gnomAD compares: East Asian, 0.44%; 3 homozygotes.

Submissions (3):

Blueprint Genetics
Classification: Likely benign. Last evaluated: 2023-11-29. Review status: criteria provided, single submitter. Criteria: ACMG Guidelines, 2015. Collection method: clinical testing. Allele origin: germline.

Labcorp Genetics (formerly Invitae), Labcorp
Classification: Likely benign. Last evaluated: 2023-02-26. Review status: criteria provided, single submitter. Criteria: Invitae Variant Classification Sherloc (09022015). Collection method: clinical testing. Allele origin: germline.

Science for Life laboratory,  Karolinska Institutet
Classification: Uncertain significance for Malignant tumor of prostate. Review status: no assertion criteria provided. Collection method: not provided. Allele origin: somatic. Not counted in ClinVar's aggregate classification.
Comment: TumorID:SWE-92B
ClinVar note: Converted during submission from Unknown to Uncertain significance.